The following is an entry in ClinVar:

NM_000094.4(COL7A1):c.2318_2321dup (p.Glu774delinsAspTer)

Gene: COL7A1 (collagen type VII alpha 1 chain; minus strand). Cytogenetic location: 3p21.31.
Variant type: Duplication.
Coding change: c.2318_2321dup on transcript NM_000094.4 (MANE Select); coding-DNA positions 2318 to 2321, 4 bases duplicated (CTGA; older notation c.2318_2321dupCTGA).
Protein change: p.Glu774delinsAspTer.
Molecular consequence: nonsense.
Genome position (GRCh38, 1-based): chr3:48,588,989-48,588,992, TCAG duplicated on the plus strand (CTGA on the coding strand, the reverse complement: COL7A1 is on the minus strand). VCF-style (leftmost placement, unchanged base first): chr3-48588988-C-CTCAG. GRCh37 (hg19) VCF-style: chr3-48626421-C-CTCAG.
Other names: c.2321_2322insCTGA (NM_000094.3).
Identifiers: ClinVar variation 424626 (VCV000424626.10), dbSNP rs1064797079, ClinGen allele CA16621530.

ClinVar aggregate classification (germline): Pathogenic. Review status: criteria provided, multiple submitters, no conflicts (2 of 4 stars). 4 submissions from 4 submitters: Pathogenic (3). 1 of the submissions does not count toward it. Last evaluated 2024-06-14.

Conditions:
Recessive dystrophic epidermolysis bullosa (RDEB). Also called: Hallopeau-Siemens Disease; Epidermolysis Bullosa Distrophica Autosomal Recessive (RDEB); severe generalized recessive dystrophic epidermolysis bullosa; Recessive DEB (RDEB); EPIDERMOLYSIS BULLOSA DYSTROPHICA, HALLOPEAU-SIEMENS TYPE; epidermolysis bullosa dystrophica, autosomal recessive. Identifiers: Orphanet 79408, Orphanet 79409, MedGen C0079474, MONDO:0009179, OMIM 226600.
COL7A1-related disorder. Also called: COL7A1- related disorders; COL7A1-related condition.
Nonsyndromic congenital nail disorder 8. Also called: TOENAIL DYSTROPHY, ISOLATED. Identifiers: MedGen C1843761, MONDO:0011852, OMIM 607523.
Generalized dominant dystrophic epidermolysis bullosa (DDEB). Also called: Dominant DEB (DDEB); DDEB, generalized; DDEB-gen; DYSTROPHIC EPIDERMOLYSIS BULLOSA, AUTOSOMAL DOMINANT; Epidermolysis bullosa dystrophica, autosomal dominant. Identifiers: Orphanet 231568, MedGen C0432322, MONDO:0007549, OMIM 131750.
Transient bullous dermolysis of the newborn (TBDN). Also called: DYSTROPHIC EPIDERMOLYSIS BULLOSA, NEONATAL; EPIDERMOLYSIS BULLOSA DYSTROPHICA, NEONATAL FORM. Identifiers: Orphanet 79411, MedGen C1851573, MONDO:0007548, OMIM 131705.
Pretibial dystrophic epidermolysis bullosa. Also called: Pretibial epidermolysis bullosa; Pretibial blistering; EPIDERMOLYSIS BULLOSA DYSTROPHICA, PRETIBIAL. Identifiers: Orphanet 79410, MedGen C0432321, MONDO:0007552, OMIM 131850, HP:0012221.
Dominant dystrophic epidermolysis bullosa with absence of skin. Also called: EPIDERMOLYSIS BULLOSA DYSTROPHICA, BART TYPE; EPIDERMOLYSIS BULLOSA WITH CONGENITAL LOCALIZED ABSENCE OF SKIN AND DEFORMITY OF NAILS. Identifiers: MedGen C0268371, MONDO:0007557, OMIM 132000.
Epidermolysis bullosa pruriginosa. Also called: DEB, PRURIGINOSA; DYSTROPHIC EPIDERMOLYSIS BULLOSA PRURIGINOSA. Identifiers: Orphanet 89843, MedGen C1275114, MONDO:0011398, OMIM 604129.

Allele frequency attached by ClinVar (database versions not stated): gnomAD exomes below 0.00001.

Submissions (4):

3billion
Classification: Pathogenic for COL7A1-related disorder. Last evaluated: 2024-06-14. Review status: criteria provided, single submitter. Criteria: ACMG Guidelines, 2015. Collection method: clinical testing. Allele origin: germline. Affected: yes.
Comment: The variant is observed at an extremely low frequency in the gnomAD v4.0.0 dataset (total allele frequency: <0.001%). Predicted Consequence/Location: Stop-gained (nonsense): predicted to result in a loss or disruption of normal protein function through nonsense-mediated decay (NMD) or protein truncation. Multiple pathogenic variants are reported downstream of the variant. Frameshift: predicted to result in a loss or disruption of normal protein function through nonsense-mediated decay (NMD) or protein truncation. Multiple pathogenic variants are reported downstream of the variant. The variant has been reported to be associated with COL7A1-related disorder (ClinVar ID: VCV000424626 /PMID: 29531004). Therefore, this variant is classified as Pathogenic according to the recommendation of ACMG/AMP guideline.

Fulgent Genetics
Classification: Pathogenic for Transient bullous dermolysis of the newborn; Generalized dominant dystrophic epidermolysis bullosa; Pretibial dystrophic epidermolysis bullosa; Dominant dystrophic epidermolysis bullosa with absence of skin; Recessive dystrophic epidermolysis bullosa; Epidermolysis bullosa pruriginosa; Nonsyndromic congenital nail disorder 8. Last evaluated: 2024-05-08. Review status: criteria provided, single submitter. Criteria: ACMG Guidelines, 2015. Collection method: clinical testing. Allele origin: germline.

Labcorp Genetics (formerly Invitae), Labcorp
Classification: Pathogenic. Last evaluated: 2023-01-05. Review status: criteria provided, single submitter. Criteria: Invitae Variant Classification Sherloc (09022015). Collection method: clinical testing. Allele origin: germline.
Comment: This sequence change creates a premature translational stop signal (p.Glu774Aspfs*2) in the COL7A1 gene. It is expected to result in an absent or disrupted protein product. Loss-of-function variants in COL7A1 are known to be pathogenic (PMID: 16971478). For these reasons, this variant has been classified as Pathogenic. ClinVar contains an entry for this variant (Variation ID: 424626). This variant is also known as c.2321_2322insCTGA p.Glu774AspfsX1. This premature translational stop signal has been observed in individual(s) with dystrophic epidermolysis bullosa (PMID: 29531004). This variant is present in population databases (no rsID available, gnomAD 0.006%).

Gansu Province Medical Genetics Center
Classification: Pathogenic for Recessive dystrophic epidermolysis bullosa. Review status: no assertion criteria provided. Collection method: clinical testing. Allele origin: maternal. Affected: yes. Not counted in ClinVar's aggregate classification.

Literature cited by the submitters: PubMed 29531004 (cited by 3billion and Labcorp Genetics (formerly Invitae), Labcorp); PubMed 16971478 (cited by Labcorp Genetics (formerly Invitae), Labcorp).